The following is an entry in ClinVar:

ClinVar aggregate classification (germline): Uncertain significance (1 of 4 stars; one submission).

Submission:

GeneDx
Classification: Uncertain significance. Last evaluated: 2022-12-14. Review status: criteria provided, single submitter. Criteria: GeneDx Variant Classification Process June 2021. Collection method: clinical testing. Allele origin: germline. Affected: yes.
Comment: Not observed at significant frequency in large population cohorts (gnomAD); In silico analysis supports a deleterious effect on splicing; Has not been previously published as pathogenic or benign to our knowledge

NM_003070.5(SMARCA2):c.2526+1G>A

Gene: SMARCA2 (SWI/SNF related BAF chromatin remodeling complex subunit ATPase 2; plus strand). Cytogenetic location: 9p24.3.
Variant type: single nucleotide variant.
Coding change: c.2526+1G>A on transcript NM_003070.5 (MANE Select); the canonical splice donor site of the intron after coding-DNA position 2526, G replaced by A.
Molecular consequence: splice donor variant.
Genome position (GRCh38, 1-based): chr9:2,084,197, G>A. VCF-style: chr9-2084197-G-A. GRCh37 (hg19) VCF-style: chr9-2084197-G-A.
Other names: c.2526+1G>A (NM_139045.4, NM_001289397.2, NM_001289396.2).
Identifiers: ClinVar variation 2505822 (VCV002505822.1), dbSNP rs2537338403, ClinGen allele CA372784775.